The following is an entry in ClinVar:

NM_000393.5(COL5A2):c.2769+10C>T

Gene: COL5A2 (collagen type V alpha 2 chain; minus strand). Cytogenetic location: 2q32.2.
Variant type: single nucleotide variant.
Coding change: c.2769+10C>T on transcript NM_000393.5 (MANE Select); 10 bases into the intron after coding-DNA position 2769, C replaced by T.
Molecular consequence: intron variant.
Genome position (GRCh38, 1-based): chr2:189,052,162, G>A on the plus strand (C>T on the coding strand, the complement: COL5A2 is on the minus strand). VCF-style: chr2-189052162-G-A. GRCh37 (hg19) VCF-style: chr2-189916888-G-A.
Identifiers: ClinVar variation 385092 (VCV000385092.3), dbSNP rs777299355, ClinGen allele CA2022199.

ClinVar aggregate classification (germline): Likely benign. Review status: criteria provided, multiple submitters, no conflicts (2 of 4 stars). 2 submissions from 2 submitters: Likely benign (2). Last evaluated 2024-07-22.

Conditions:
Ehlers-Danlos syndrome, classic type, 1 (EDSCL1). Also called: EHLERS-DANLOS SYNDROME, GRAVIS TYPE; EHLERS-DANLOS SYNDROME, SEVERE CLASSIC TYPE; Ehlers-Danlos Syndrome, Classic Type, COL5A1-Related; EDS I; Ehlers-Danlos syndrome, type 1. Identifiers: MedGen C0268335, MONDO:0019567, OMIM 130000.

Allele frequency attached by ClinVar (database versions not stated): ExAC 0.00001; gnomAD exomes below 0.00001.
gnomAD v4.1: 3 of 1,612,686 alleles (0.00019%); highest among the groups gnomAD compares: South Asian, 0.0022%; no homozygotes.

Submissions (2):

Labcorp Genetics (formerly Invitae), Labcorp
Classification: Likely benign for Ehlers-Danlos syndrome, classic type, 1. Last evaluated: 2024-07-22. Review status: criteria provided, single submitter. Criteria: Invitae Variant Classification Sherloc (09022015). Collection method: clinical testing. Allele origin: germline.

GeneDx
Classification: Likely benign. Last evaluated: 2016-03-28. Review status: criteria provided, single submitter. Criteria: GeneDx Variant Classification (06012015). Collection method: clinical testing. Allele origin: germline. Affected: yes.
Comment: This variant is considered likely benign or benign based on one or more of the following criteria: it is a conservative change, it occurs at a poorly conserved position in the protein, it is predicted to be benign by multiple in silico algorithms, and/or has population frequency not consistent with disease.